The following is an entry in ClinVar:

ClinVar aggregate classification (germline): Uncertain significance. Review status: criteria provided, multiple submitters, no conflicts (2 of 4 stars). 2 submissions from 2 submitters: Uncertain significance (2). Last evaluated 2026-04-02.

Conditions:
COL6A2-related disorder.
Bethlem myopathy 1A. Also called: Bethlem myopathy 1; Bethlem Muscular Dystrophy; MYOPATHY, BENIGN CONGENITAL, WITH CONTRACTURES. Identifiers: Orphanet 610, MedGen CN029274, MONDO:0024530, OMIM 158810.

gnomAD v4.1: 7 of 1,612,994 alleles (0.00043%); highest among the groups gnomAD compares: Non-Finnish European, 0.00051%; no homozygotes.

Submissions (2):

PreventionGenetics, part of Exact Sciences
Classification: Uncertain significance for COL6A2-related condition. Last evaluated: 2026-04-02. Review status: criteria provided, single submitter. Criteria: ACMG Guidelines, 2015. Collection method: clinical testing. Allele origin: germline.
Comment: The COL6A2 c.2212C>T variant is predicted to result in the amino acid substitution p.Arg738Trp. To our knowledge, this variant has not been reported in the literature or in a large population database (gnomAD), indicating this variant is rare. At this time, the clinical significance of this variant is uncertain due to the absence of conclusive functional and genetic evidence.

Labcorp Genetics (formerly Invitae), Labcorp
Classification: Uncertain significance for Bethlem myopathy 1A. Last evaluated: 2023-08-16. Review status: criteria provided, single submitter. Criteria: Invitae Variant Classification Sherloc (09022015). Collection method: clinical testing. Allele origin: germline.
Comment: In summary, the available evidence is currently insufficient to determine the role of this variant in disease. Therefore, it has been classified as a Variant of Uncertain Significance. Advanced modeling of protein sequence and biophysical properties (such as structural, functional, and spatial information, amino acid conservation, physicochemical variation, residue mobility, and thermodynamic stability) performed at Invitae indicates that this missense variant is expected to disrupt COL6A2 protein function. ClinVar contains an entry for this variant (Variation ID: 1485329). This variant has not been reported in the literature in individuals affected with COL6A2-related conditions. This variant is not present in population databases (gnomAD no frequency). This sequence change replaces arginine, which is basic and polar, with tryptophan, which is neutral and slightly polar, at codon 738 of the COL6A2 protein (p.Arg738Trp).

NM_001849.4(COL6A2):c.2212C>T (p.Arg738Trp)

Gene: COL6A2 (collagen type VI alpha 2 chain; plus strand). Cytogenetic location: 21q22.3.
Variant type: single nucleotide variant.
Coding change: c.2212C>T on transcript NM_001849.4 (MANE Select); coding-DNA position 2212, C replaced by T.
Protein change: p.Arg738Trp; replaces arginine 738 with tryptophan.
Molecular consequence: missense variant.
Genome position (GRCh38, 1-based): chr21:46,126,027, C>T. VCF-style: chr21-46126027-C-T. GRCh37 (hg19) VCF-style: chr21-47545941-C-T.
Other names: c.2212C>T, p.Arg738Trp (NM_058174.3, NM_058175.3); c.2212C>T (NM_001849.3); short protein forms R738W.
Identifiers: ClinVar variation 1485329 (VCV001485329.9), dbSNP rs2123664140, ClinGen allele CA410542135.